The following is an entry in ClinVar:

NM_201596.3(CACNB2):c.1702G>C (p.Val568Leu)

Gene: CACNB2 (calcium voltage-gated channel auxiliary subunit beta 2; plus strand). Cytogenetic location: 10p12.31.
Variant type: single nucleotide variant.
Coding change: c.1702G>C on transcript NM_201596.3 (MANE Select); coding-DNA position 1702, G replaced by C.
Protein change: p.Val568Leu; replaces valine 568 with leucine.
Molecular consequence: missense variant.
Genome position (GRCh38, 1-based): chr10:18,539,443, G>C. VCF-style: chr10-18539443-G-C. GRCh37 (hg19) VCF-style: chr10-18828372-G-C.
Other names: c.1537G>C, p.Val513Leu (NM_000724.4); c.1504G>C, p.Val502Leu (NM_001167945.2); c.1423G>C, p.Val475Leu (NM_001330060.2); c.1558G>C, p.Val520Leu (NM_201570.3); c.1618G>C, p.Val540Leu (NM_201571.4); c.1546G>C, p.Val516Leu (NM_201572.4); c.1540G>C, p.Val514Leu (NM_201590.3); c.1588G>C, p.Val530Leu (NM_201593.3); and 1 more; short protein forms V514L, V568L, V502L, V530L, V513L, V516L, V540L, V475L.
Identifiers: ClinVar variation 519506 (VCV000519506.11), dbSNP rs142639223, ClinGen allele CA5430135.

ClinVar aggregate classification (germline): Uncertain significance. Review status: criteria provided, multiple submitters, no conflicts (2 of 4 stars). 3 submissions from 3 submitters: Uncertain significance (3). Last evaluated 2025-10-10.

Conditions:
Cardiovascular phenotype. Identifiers: MedGen CN230736.
Brugada syndrome 4 (BRGDA4). Identifiers: Orphanet 130, MedGen C2678477, MONDO:0012743, OMIM 611876.

Allele frequency attached by ClinVar (database versions not stated): TOPMed 0.00004.
gnomAD v4.1: 65 of 1,613,860 alleles (0.004%); highest among the groups gnomAD compares: South Asian, 0.0044%; no homozygotes.

Submissions (3):

Labcorp Genetics (formerly Invitae), Labcorp
Classification: Uncertain significance for Brugada syndrome 4. Last evaluated: 2025-10-10. Review status: criteria provided, single submitter. Criteria: Invitae Variant Classification Sherloc (09022015). Collection method: clinical testing. Allele origin: germline.
Comment: This sequence change replaces valine, which is neutral and non-polar, with leucine, which is neutral and non-polar, at codon 514 of the CACNB2 protein (p.Val514Leu). This variant is present in population databases (rs142639223, gnomAD 0.03%). This variant has not been reported in the literature in individuals affected with CACNB2-related conditions. ClinVar contains an entry for this variant (Variation ID: 519506). Invitae Evidence Modeling of protein sequence and biophysical properties (such as structural, functional, and spatial information, amino acid conservation, physicochemical variation, residue mobility, and thermodynamic stability) indicates that this missense variant is not expected to disrupt CACNB2 protein function with a negative predictive value of 80%. In summary, the available evidence is currently insufficient to determine the role of this variant in disease. Therefore, it has been classified as a Variant of Uncertain Significance.

Ambry Genetics
Classification: Uncertain significance for Cardiovascular phenotype. Last evaluated: 2025-04-17. Review status: criteria provided, single submitter. Criteria: Ambry Variant Classification Scheme 2023. Collection method: clinical testing. Allele origin: germline.
Comment: The p.V514L variant (also known as c.1540G>C), located in coding exon 13 of the CACNB2 gene, results from a G to C substitution at nucleotide position 1540. The valine at codon 514 is replaced by leucine, an amino acid with highly similar properties. This amino acid position is not well conserved in available vertebrate species. In addition, this alteration is predicted to be tolerated by in silico analysis. The evidence for this gene-disease relationship is limited; therefore, the clinical significance of this alteration is unclear.

Women's Health and Genetics/Laboratory Corporation of America, LabCorp
Classification: Uncertain significance. Last evaluated: 2019-05-13. Review status: criteria provided, single submitter. Criteria: LabCorp Variant Classification Summary - May 2015. Collection method: clinical testing. Allele origin: germline.
Comment: Variant summary: CACNB2 c.1540G>C (p.Val514Leu) results in a conservative amino acid change in the encoded protein sequence. Five of five in-silico tools predict a benign effect of the variant on protein function. The variant allele was found at a frequency of 4e-05 in 251242 control chromosomes (gnomAD). The observed variant frequency is approximately 4 fold of the estimated maximal expected allele frequency for a pathogenic variant in CACNB2 causing Arrhythmia phenotype (1e-05), strongly suggesting that the variant is benign. To our knowledge, no occurrence of c.1540G>C in individuals affected with Arrhythmia and no experimental evidence demonstrating its impact on protein function have been reported. One clinical diagnostic laboratory has submitted clinical-significance assessments for this variant to ClinVar after 2014 without evidence for independent evaluation (VUS, n=1). Based on the evidence outlined above, the variant was classified as VUS-possibly benign.